The following is an entry in ClinVar:

ClinVar aggregate classification (germline): Uncertain significance (1 of 4 stars; one submission).

Conditions:
Mucopolysaccharidosis, MPS-III-A (MPS3A). Also called: HEPARAN SULFATE SULFATASE DEFICIENCY; SANFILIPPO SYNDROME A; SULFAMIDASE DEFICIENCY; MPS III A; Mucopolysaccharidosis type IIIA (Sanfilippo A); Mucopolysaccharidosis, type IIIA. Identifiers: Orphanet 581, Orphanet 79269, MedGen C0086647, MONDO:0009655, OMIM 252900.

Submission:

Labcorp Genetics (formerly Invitae), Labcorp
Classification: Uncertain significance for Mucopolysaccharidosis, MPS-III-A. Last evaluated: 2022-05-22. Review status: criteria provided, single submitter. Criteria: Invitae Variant Classification Sherloc (09022015). Collection method: clinical testing. Allele origin: germline.
Comment: This variant has not been reported in the literature in individuals affected with SGSH-related conditions. This sequence change replaces isoleucine, which is neutral and non-polar, with asparagine, which is neutral and polar, at codon 120 of the SGSH protein (p.Ile120Asn). Information on the frequency of this variant in the gnomAD database is not available, as this variant may be reported differently in the database. Algorithms developed to predict the effect of missense changes on protein structure and function are either unavailable or do not agree on the potential impact of this missense change (SIFT: "Not Available"; PolyPhen-2: "Probably Damaging"; Align-GVGD: "Not Available"). In summary, the available evidence is currently insufficient to determine the role of this variant in disease. Therefore, it has been classified as a Variant of Uncertain Significance.

NM_000199.5(SGSH):c.359_360delinsAT (p.Ile120Asn)

Gene: SGSH (N-sulfoglucosamine sulfohydrolase; minus strand). Cytogenetic location: 17q25.3.
Variant type: Indel.
Coding change: c.359_360delinsAT on transcript NM_000199.5 (MANE Select); coding-DNA positions 359 to 360, TC replaced by AT.
Protein change: p.Ile120Asn; replaces isoleucine 120 with asparagine.
Molecular consequence: missense variant. On other transcripts: non-coding transcript variant (1).
Genome position (GRCh38, 1-based): chr17:80,214,761-80,214,762, GA replaced by AT on the plus strand (TC replaced by AT on the coding strand, the reverse complement: SGSH is on the minus strand). VCF-style: chr17-80214761-GA-AT. GRCh37 (hg19) VCF-style: chr17-78188560-GA-AT.
Other names: c.359_360delinsAT, p.Ile120Asn (NM_001352921.3, NM_001352922.2); short protein forms I120N.
Identifiers: ClinVar variation 1974569 (VCV001974569.5), dbSNP rs2510894447, ClinGen allele CA2580095335.
Genomic context (GRCh38, chr17:80,214,761, plus strand): 5'-CTCCGTGTACGCAAAGTCAAACGGGTACACGGTCTCCGGCCCCACGTGCTTCTTCCCGAT[GA>AT]TGCCTGGGCGGGAAGAGAGGCCTGGCCAGAGTCCCTTCAGCCTCCCAACCCTTTCTGCTC-3'
Protein context (NP_000190.1, residues 110-130): LLSQAGVRTG[Ile120Asn]IGKKHVGPET